The following is an entry in ClinVar:

NM_005445.4(SMC3):c.1772A>C (p.Asn591Thr)

Gene: SMC3 (structural maintenance of chromosomes 3; plus strand). Cytogenetic location: 10q25.2.
Variant type: single nucleotide variant.
Coding change: c.1772A>C on transcript NM_005445.4 (MANE Select); coding-DNA position 1772, A replaced by C.
Protein change: p.Asn591Thr; replaces asparagine 591 with threonine.
Molecular consequence: missense variant.
Genome position (GRCh38, 1-based): chr10:110,591,092, A>C. VCF-style: chr10-110591092-A-C. GRCh37 (hg19) VCF-style: chr10-112350850-A-C.
Other names: short protein forms N591T.
Identifiers: ClinVar variation 2959148 (VCV002959148.6), dbSNP rs1861198238, ClinGen allele CA378389823.
Genomic context (GRCh38, chr10:110,591,092, plus strand): 5'-AGATTTTAATGGAGTTTAATAAAATGAATCTTCCTGGAGAGGTTACTTTTCTGCCTCTTA[A>C]CAAGTTAGATGTCAGGGATACAGCCTATCCTGAAACCAATGTGAGTCATTGTGTGATAAG-3'
Protein context (NP_005436.1, residues 581-601): LPGEVTFLPL[Asn591Thr]KLDVRDTAYP

ClinVar aggregate classification (germline): Uncertain significance. Review status: criteria provided, multiple submitters, no conflicts (2 of 4 stars). 2 submissions from 2 submitters: Uncertain significance (2). Last evaluated 2025-03-03.

Conditions:
Cornelia de Lange syndrome 3 (CDLS3). Also called: SMC3-Related Cornelia de Lange Syndrome; CORNELIA DE LANGE SYNDROME 3 WITH OR WITHOUT MIDLINE BRAIN DEFECTS. Identifiers: Orphanet 199, MedGen C1853099, MONDO:0012555, OMIM 610759.
SMC3-related disorder. Also called: SMC3-related condition.

Submissions (2):

PreventionGenetics, part of Exact Sciences
Classification: Uncertain significance for SMC3-related condition. Last evaluated: 2025-03-03. Review status: criteria provided, single submitter. Criteria: ACMG Guidelines, 2015. Collection method: clinical testing. Allele origin: germline.
Comment: The SMC3 c.1772A>C variant is predicted to result in the amino acid substitution p.Asn591Thr. To our knowledge, this variant has not been reported in the literature or in a large population database (gnomAD), indicating this variant is rare. At this time, the clinical significance of this variant is uncertain due to the absence of conclusive functional and genetic evidence.

Labcorp Genetics (formerly Invitae), Labcorp
Classification: Uncertain significance for Cornelia de Lange syndrome 3. Last evaluated: 2025-01-15. Review status: criteria provided, single submitter. Criteria: Invitae Variant Classification Sherloc (09022015). Collection method: clinical testing. Allele origin: germline.
Comment: This sequence change replaces asparagine, which is neutral and polar, with threonine, which is neutral and polar, at codon 591 of the SMC3 protein (p.Asn591Thr). This variant is not present in population databases (gnomAD no frequency). This variant has not been reported in the literature in individuals affected with SMC3-related conditions. ClinVar contains an entry for this variant (Variation ID: 2959148). Invitae Evidence Modeling of protein sequence and biophysical properties (such as structural, functional, and spatial information, amino acid conservation, physicochemical variation, residue mobility, and thermodynamic stability) indicates that this missense variant is expected to disrupt SMC3 protein function with a positive predictive value of 95%. In summary, the available evidence is currently insufficient to determine the role of this variant in disease. Therefore, it has been classified as a Variant of Uncertain Significance.